The following is an entry in ClinVar:

ClinVar aggregate classification (germline): Likely pathogenic (1 of 4 stars; one submission).

Conditions:
Autosomal recessive limb-girdle muscular dystrophy type 2J (LGMDR10). Also called: Limb-girdle muscular dystrophy, type 2J; MUSCULAR DYSTROPHY, LIMB-GIRDLE, AUTOSOMAL RECESSIVE 10. Identifiers: Orphanet 140922, MedGen C1837342, MONDO:0012127, OMIM 608807.
Dilated cardiomyopathy 1G (CMD1G). Identifiers: Orphanet 154, MedGen C1858763, MONDO:0011400, OMIM 604145.

Submission:

Labcorp Genetics (formerly Invitae), Labcorp
Classification: Likely pathogenic for Dilated cardiomyopathy 1G; Autosomal recessive limb-girdle muscular dystrophy type 2J. Last evaluated: 2025-04-27. Review status: criteria provided, single submitter. Criteria: Invitae Variant Classification Sherloc (09022015). Collection method: clinical testing. Allele origin: germline.
Comment: This sequence change creates a premature translational stop signal (p.Thr24668Serfs*5) in the TTN gene. While this is not anticipated to result in nonsense mediated decay, it is expected to create a truncated TTN protein. This variant is not present in population databases (gnomAD no frequency). This variant has not been reported in the literature in individuals affected with TTN-related conditions. This variant is located in the A band of TTN (PMID: 25589632). Truncating variants in this region are significantly overrepresented in patients affected with dilated cardiomyopathy (PMID: 25589632). Truncating variants in this region have also been reported in individuals affected with autosomal recessive centronuclear myopathy (PMID: 23975875). In summary, the currently available evidence indicates that the variant is pathogenic, but additional data are needed to prove that conclusively. Therefore, this variant has been classified as Likely Pathogenic.

Literature cited by the submitters: PubMed 25589632; PubMed 23975875.

NM_001267550.2(TTN):c.74003_74004del (p.Thr24668fs)

Genes: TTN (titin; minus strand), TTN-AS1 (TTN antisense RNA 1; plus strand). Cytogenetic location: 2q31.2.
Variant type: Microsatellite.
Coding change: c.74003_74004del on transcript NM_001267550.2 (MANE Select); coding-DNA positions 74003 to 74004, 2 bases deleted (CA; older notation c.74003_74004delCA).
Protein change: p.Thr24668fs; shifts the reading frame from threonine 24668.
Molecular consequence: frameshift variant.
Genome position (GRCh38, 1-based): chr2:178,572,128-178,572,129, TG deleted on the plus strand (CA on the coding strand, the reverse complement: TTN is on the minus strand); deleting any 2 consecutive bases within chr2:178,572,128-178,572,131 gives the same sequence; the c. name uses the placement nearest the transcript's 3' end. VCF-style (leftmost placement, unchanged base first): chr2-178572127-CTG-C. GRCh37 (hg19) VCF-style: chr2-179436854-CTG-C.
Other names: c.69080_69081del, p.Thr23027fs (NM_001256850.1); c.46808_46809del, p.Thr15603fs (NM_003319.4); c.66299_66300del, p.Thr22100fs (NM_133378.4); c.47183_47184del, p.Thr15728fs (NM_133432.3); c.47384_47385del, p.Thr15795fs (NM_133437.4); short protein forms T15603fs, T22100fs, T23027fs, T24668fs, T15728fs, T15795fs.
Identifiers: ClinVar variation 4792087 (VCV004792087.1).